The following is an entry in ClinVar:

ClinVar aggregate classification (germline): Uncertain significance (1 of 4 stars; one submission).

Submission:

Labcorp Genetics (formerly Invitae), Labcorp
Classification: Uncertain significance. Last evaluated: 2022-03-19. Review status: criteria provided, single submitter. Criteria: Invitae Variant Classification Sherloc (09022015). Collection method: clinical testing. Allele origin: germline.
Comment: In summary, the available evidence is currently insufficient to determine the role of this variant in disease. Therefore, it has been classified as a Variant of Uncertain Significance. Algorithms developed to predict the effect of missense changes on protein structure and function (SIFT, PolyPhen-2, Align-GVGD) all suggest that this variant is likely to be tolerated. This variant has not been reported in the literature in individuals affected with TTLL5-related conditions. This variant is not present in population databases (gnomAD no frequency). This sequence change replaces isoleucine, which is neutral and non-polar, with asparagine, which is neutral and polar, at codon 1082 of the TTLL5 protein (p.Ile1082Asn).

NM_015072.5(TTLL5):c.3245T>A (p.Ile1082Asn)

Gene: TTLL5 (tubulin tyrosine ligase like 5; plus strand). Cytogenetic location: 14q24.3.
Variant type: single nucleotide variant.
Coding change: c.3245T>A on transcript NM_015072.5 (MANE Select); coding-DNA position 3245, T replaced by A.
Protein change: p.Ile1082Asn; replaces isoleucine 1082 with asparagine.
Molecular consequence: missense variant.
Genome position (GRCh38, 1-based): chr14:75,820,080, T>A. VCF-style: chr14-75820080-T-A. GRCh37 (hg19) VCF-style: chr14-76286423-T-A.
Other names: short protein forms I1082N.
Identifiers: ClinVar variation 1466345 (VCV001466345.8), dbSNP rs1894739838, ClinGen allele CA390536523.